The following is an entry in ClinVar:

NM_012144.4(DNAI1):c.1887del (p.Asn630fs)

Gene: DNAI1 (dynein axonemal intermediate chain 1; plus strand). Cytogenetic location: 9p13.3.
Variant type: Deletion.
Coding change: c.1887del on transcript NM_012144.4 (MANE Select); coding-DNA position 1887, one base deleted (G; older notation c.1887delG).
Protein change: p.Asn630fs; shifts the reading frame from asparagine 630.
Molecular consequence: frameshift variant.
Genome position (GRCh38, 1-based): chr9:34,517,353, G deleted. VCF-style (leftmost placement, unchanged base first): chr9-34517352-AG-A. GRCh37 (hg19) VCF-style: chr9-34517350-AG-A.
Other names: c.1899del, p.Asn634fs (NM_001281428.2); short protein forms N630fs, N634fs.
Identifiers: ClinVar variation 1437225 (VCV001437225.6), dbSNP rs2132086495, ClinGen allele CA2573144578.
Genomic context (GRCh38, chr9:34,517,352, plus strand): 5'-TATTTGACTTAGCCATCAACAAGTATGAGGCCATCTGCAACCAGCCTGTGGCGGCCAAAA[AG>A]AACAGGCTCACCCACGTGCAGTTCAATCTCATCCACCCCATCATCATTGTGGGCGATGAC-3'

ClinVar aggregate classification (germline): Pathogenic (1 of 4 stars; one submission).

Conditions:
Primary ciliary dyskinesia. Also called: Ciliary dyskinesia. Identifiers: Orphanet 244, MedGen C0008780, MONDO:0016575, HP:0012265.

Allele frequency attached by ClinVar (database versions not stated): gnomAD exomes 0.00001.

Submission:

Labcorp Genetics (formerly Invitae), Labcorp
Classification: Pathogenic for Primary ciliary dyskinesia. Last evaluated: 2021-08-27. Review status: criteria provided, single submitter. Criteria: Invitae Variant Classification Sherloc (09022015). Collection method: clinical testing. Allele origin: germline.
Comment: This sequence change creates a premature translational stop signal (p.Asn630Thrfs*60) in the DNAI1 gene. While this is not anticipated to result in nonsense mediated decay, it is expected to disrupt the last 70 amino acid(s) of the DNAI1 protein. This variant is not present in population databases (ExAC no frequency). For these reasons, this variant has been classified as Pathogenic. This variant disrupts a region of the DNAI1 protein in which other variant(s) (p.Ile643Profs*48) have been determined to be pathogenic (PMID: 16858015). This suggests that this is a clinically significant region of the protein, and that variants that disrupt it are likely to be disease-causing. This variant has not been reported in the literature in individuals affected with DNAI1-related conditions.

Literature cited by the submitters: PubMed 16858015.